The following is an entry in ClinVar:

NM_000551.4(VHL):c.377del (p.Asp126fs)

Genes: VHL (von Hippel-Lindau tumor suppressor; plus strand), LOC107303340 (3p25 von Hippel-Lindau tumor suppressor, E3 ubiquitin protein ligase Alu-mediated recombination region; plus strand). Cytogenetic location: 3p25.3.
Variant type: Deletion.
Coding change: c.377del on transcript NM_000551.4 (MANE Select); coding-DNA position 377, one base deleted (A; older notation c.377delA).
Protein change: p.Asp126fs; shifts the reading frame from aspartic acid 126.
Molecular consequence: frameshift variant. On other transcripts: intron variant (2).
Genome position (GRCh38, 1-based): chr3:10,146,550, A deleted. VCF-style (leftmost placement, unchanged base first): chr3-10146549-GA-G. GRCh37 (hg19) VCF-style: chr3-10188233-GA-G.
Other names: c.377delA (NM_000551.3); c.*18-3237del (NM_001354723.2); c.341-3237del (NM_198156.3); short protein forms D126fs.
Identifiers: ClinVar variation 456565 (VCV000456565.10), dbSNP rs1553619952, ClinGen allele CA658655750.

ClinVar aggregate classification (germline): Pathogenic. Review status: criteria provided, single submitter (1 of 4 stars). 2 submissions from 1 submitter: Pathogenic (2). Last evaluated 2017-07-03.

Conditions:
Von Hippel-Lindau syndrome (VHLS). Also called: Von Hippel-Lindau; von Hippel–Lindau syndrome; VHL syndrome. Identifiers: Orphanet 892, MedGen C0019562, MONDO:0008667, OMIM 193300. Disease mechanism: loss of function.
Chuvash polycythemia. Also called: POLYCYTHEMIA, VHL-DEPENDENT. Identifiers: Orphanet 238557, MedGen C1837915, MONDO:0009892, OMIM 263400.

Submissions (2):

Labcorp Genetics (formerly Invitae), Labcorp
Classification: Pathogenic for Von Hippel-Lindau syndrome. Last evaluated: 2017-07-03. Review status: criteria provided, single submitter. Criteria: Invitae Variant Classification Sherloc (09022015). Collection method: clinical testing. Allele origin: germline.
Comment: This sequence change results in a premature translational stop signal in the VHL gene (p.Asp126Valfs*33). While this is not anticipated to result in nonsense mediated decay, it is expected to disrupt the last 88 amino acids of the VHL protein. This variant is not present in population databases (ExAC no frequency). This variant has not been reported in the literature in individuals with VHL-related disease. This truncation disrupts a significant portion of the VHL elongin C binding domain (PMID: 14987375), which is required for protein stability and tumor suppressive activity (PMID: 10900011). Different truncations downstream of this variant (p.Asn141Lysfs*3, p.161Arg*, deletion of exon 3) have been determined to be pathogenic (PMID: 19270817, 10567493, 7987306, 12114495, 25867206, 15300849, 9829911, 9829912, 9452032, 8956040, 21362373, 18446368, 24301059, Invitae). This suggests that deletion of this region of the VHL protein is causative of disease. For these reasons, this variant has been classified as Pathogenic.

Labcorp Genetics (formerly Invitae), Labcorp
Classification: Pathogenic for Von Hippel-Lindau syndrome; Chuvash polycythemia. Last evaluated: 2017-06-18. Review status: criteria provided, single submitter. Criteria: Invitae Variant Classification Sherloc (09022015). Collection method: clinical testing. Allele origin: germline.
Comment: For these reasons, this variant has been classified as Pathogenic. This truncation disrupts a significant portion of the VHL elongin C binding domain (PMID: 14987375), which is required for protein stability and tumor suppressive activity (PMID: 10900011). Different truncations downstream of this variant (p.Asn141Lysfs*3, p.161Arg*, deletion of exon 3) have been determined to be pathogenic (PMID: 19270817, 10567493, 7987306, 12114495, 25867206, 15300849, 9829911, 9829912, 9452032, 8956040, 21362373, 18446368, 24301059, Invitae). This suggests that deletion of this region of the VHL protein is causative of disease. This sequence change results in a premature translational stop signal in the VHL gene (p.Asp126Valfs*33). While this is not anticipated to result in nonsense mediated decay, it is expected to disrupt the last 88 amino acids of the VHL protein. This variant is not present in population databases (ExAC no frequency). This variant has not been reported in the literature in individuals with VHL-related disease.

Literature cited by the submitters: PubMed 14987375; PubMed 10900011; PubMed 19270817; PubMed 10567493; PubMed 7987306; PubMed 12114495; PubMed 25867206; PubMed 15300849; PubMed 9829911; PubMed 9829912; PubMed 9452032; PubMed 8956040; PubMed 21362373; PubMed 18446368; PubMed 24301059.